The following is an entry in ClinVar:

ClinVar aggregate classification (germline): Uncertain significance. Review status: criteria provided, multiple submitters, no conflicts (2 of 4 stars). 2 submissions from 2 submitters: Uncertain significance (2). Last evaluated 2025-10-01.

Conditions:
Familial thoracic aortic aneurysm and aortic dissection (TAAD). Also called: Thoracic aortic aneurysms and dissections. Identifiers: Orphanet 91387, MedGen C4707243, MONDO:0019625.
Aortic aneurysm, familial thoracic 7 (AAT7). Also called: AORTIC DISSECTION, FAMILIAL, WITH OR WITHOUT AORTIC ANEURYSM. Identifiers: MedGen C3151077, MONDO:0013418, OMIM 613780.

Allele frequency attached by ClinVar (database versions not stated): gnomAD 0.00001; ExAC 0.00002.
gnomAD v4.1: 8 of 1,614,038 alleles (0.0005%); highest among the groups gnomAD compares: East Asian, 0.018%; no homozygotes.

Submissions (2):

Labcorp Genetics (formerly Invitae), Labcorp
Classification: Uncertain significance for Aortic aneurysm, familial thoracic 7. Last evaluated: 2025-10-01. Review status: criteria provided, single submitter. Criteria: Invitae Variant Classification Sherloc (09022015). Collection method: clinical testing. Allele origin: germline.
Comment: This sequence change replaces valine, which is neutral and non-polar, with glycine, which is neutral and non-polar, at codon 209 of the MYLK protein (p.Val209Gly). This variant is present in population databases (rs746239128, gnomAD 0.02%). This variant has not been reported in the literature in individuals affected with MYLK-related conditions. ClinVar contains an entry for this variant (Variation ID: 1752546). Invitae Evidence Modeling of protein sequence and biophysical properties (such as structural, functional, and spatial information, amino acid conservation, physicochemical variation, residue mobility, and thermodynamic stability) indicates that this missense variant is not expected to disrupt MYLK protein function with a negative predictive value of 95%. In summary, the available evidence is currently insufficient to determine the role of this variant in disease. Therefore, it has been classified as a Variant of Uncertain Significance.

Ambry Genetics
Classification: Uncertain significance for Familial thoracic aortic aneurysm and aortic dissection. Last evaluated: 2025-05-19. Review status: criteria provided, single submitter. Criteria: Ambry Variant Classification Scheme 2023. Collection method: clinical testing. Allele origin: germline.

NM_053025.4(MYLK):c.626T>G (p.Val209Gly)

Gene: MYLK (myosin light chain kinase; minus strand). Cytogenetic location: 3q21.1.
Variant type: single nucleotide variant.
Coding change: c.626T>G on transcript NM_053025.4 (MANE Select); coding-DNA position 626, T replaced by G.
Protein change: p.Val209Gly; replaces valine 209 with glycine.
Molecular consequence: missense variant.
Genome position (GRCh38, 1-based): chr3:123,737,506, A>C on the plus strand (T>G on the coding strand, the complement: MYLK is on the minus strand). VCF-style: chr3-123737506-A-C. GRCh37 (hg19) VCF-style: chr3-123456353-A-C.
Other names: c.98T>G, p.Val33Gly (NM_001321309.2); c.626T>G, p.Val209Gly (NM_053026.4, NM_053027.4, NM_053028.4); short protein forms V33G, V209G.
Identifiers: ClinVar variation 1752546 (VCV001752546.4), dbSNP rs746239128, ClinGen allele CA073385.